The following is an entry in ClinVar:

NM_020134.4(DPYSL5):c.121G>A (p.Glu41Lys)

Gene: DPYSL5 (dihydropyrimidinase like 5; plus strand). Cytogenetic location: 2p23.3.
Variant type: single nucleotide variant.
Coding change: c.121G>A on transcript NM_020134.4 (MANE Select); coding-DNA position 121, G replaced by A.
Protein change: p.Glu41Lys; replaces glutamic acid 41 with lysine.
Molecular consequence: missense variant.
Genome position (GRCh38, 1-based): chr2:26,898,620, G>A. VCF-style: chr2-26898620-G-A. GRCh37 (hg19) VCF-style: chr2-27121488-G-A.
Other names: c.121G>A, p.Glu41Lys (NM_001253723.2, NM_001253724.2); short protein forms E41K.
Identifiers: ClinVar variation 1184280 (VCV001184280.19), dbSNP rs866373727, ClinGen allele CA44430799.
Genomic context (GRCh38, chr2:26,898,620, plus strand): 5'-GACTGCACCCACGAGGCTGACGTCTACATCGAGAATGGCATCATCCAGCAGGTGGGCCGC[G>A]AGCTCATGATCCCTGGCGGGGCCAAGGTGATTGATGCCACAGGAAAACTGGTGATCCCTG-3'
Protein context (NP_064519.2, residues 31-51): ENGIIQQVGR[Glu41Lys]LMIPGGAKVI

ClinVar aggregate classification (germline): Pathogenic. Review status: criteria provided, multiple submitters, no conflicts (2 of 4 stars). 7 submissions from 7 submitters: Pathogenic (4). 3 of the submissions do not count toward it. Last evaluated 2026-08-05.

Conditions:
Ritscher-Schinzel syndrome 4. Identifiers: MedGen C5561939, MONDO:0030331, OMIM 619435.
DPYSL5-related disorder. Also called: DPYSL5-related condition.

Submissions (7):

Institute of Medical Genetics and Applied Genomics, University Hospital Tübingen
Classification: Pathogenic for Ritscher-Schinzel syndrome 4. Last evaluated: 2026-08-05. Review status: criteria provided, single submitter. Criteria: ACMG Guidelines, 2015. Collection method: clinical testing. Allele origin: de novo. Inheritance: Autosomal dominant inheritance. Affected: yes.

Institute of Human Genetics, University of Leipzig Medical Center
Classification: Pathogenic for Ritscher-Schinzel syndrome 4. Last evaluated: 2026-01-21. Review status: criteria provided, single submitter. Criteria: ACMG Guidelines, 2015. Collection method: clinical testing. Allele origin: unknown. Inheritance: Autosomal dominant inheritance. Affected: yes.
Comment: Criteria applied: PS2,PS4_MOD,PM2,PS3_SUP,PP2

Daryl Scott Lab, Baylor College of Medicine
Classification: Pathogenic for DPYSL5-related disorder. Last evaluated: 2025-08-25. Review status: criteria provided, single submitter. Criteria: ACMG Guidelines, 2015. Collection method: clinical testing. Allele origin: de novo. Affected: yes. Observed: 1 heterozygote.
Comment: PS2, PS3, PS4, PM2, PP3

CeGaT Center for Human Genetics Tuebingen
Classification: Pathogenic. Last evaluated: 2024-12-01. Review status: criteria provided, single submitter. Criteria: CeGaT Center For Human Genetics Tuebingen Variant Classification Criteria Version 2. Collection method: clinical testing. Allele origin: germline. Affected: yes. Observed: 1 variant allele.
Comment: DPYSL5: PS2:Very Strong, PM2, PS4:Moderate, PS3:Supporting

OMIM
Classification: Pathogenic for RITSCHER-SCHINZEL SYNDROME 4. Last evaluated: 2021-07-22. Review status: no assertion criteria provided. Collection method: literature only. Allele origin: germline. Not counted in ClinVar's aggregate classification.

Clinical Genetics DNA and cytogenetics Diagnostics Lab, Erasmus MC, Erasmus Medical Center
Classification: Uncertain significance. Review status: no assertion criteria provided. Collection method: clinical testing. Allele origin: germline. Affected: yes. Study: VKGL Data-share Consensus. Not counted in ClinVar's aggregate classification.

Genome Diagnostics Laboratory, Amsterdam University Medical Center
Classification: Uncertain significance. Review status: no assertion criteria provided. Collection method: clinical testing. Allele origin: germline. Affected: yes. Study: VKGL Data-share Consensus. Not counted in ClinVar's aggregate classification.

Literature cited by the submitters: PubMed 33894126 (cited by OMIM).